The following is an entry in ClinVar:

NM_003611.3(OFD1):c.313G>A (p.Val105Ile)

Gene: OFD1 (OFD1 centriole and centriolar satellite protein; plus strand). Cytogenetic location: Xp22.2.
Variant type: single nucleotide variant.
Coding change: c.313G>A on transcript NM_003611.3 (MANE Select); coding-DNA position 313, G replaced by A.
Protein change: p.Val105Ile; replaces valine 105 with isoleucine.
Molecular consequence: missense variant. On other transcripts: 5 prime UTR variant (1).
Genome position (GRCh38, 1-based): chrX:13,738,846, G>A. VCF-style: chrX-13738846-G-A. GRCh37 (hg19) VCF-style: chrX-13756965-G-A.
Other names: c.313G>A, p.Val105Ile (NM_001330209.2); c.-233G>A (NM_001330210.2); short protein forms V105I.
Identifiers: ClinVar variation 1319149 (VCV001319149.8), dbSNP rs772018123, ClinGen allele CA10351569.

ClinVar aggregate classification (germline): Uncertain significance. Review status: criteria provided, multiple submitters, no conflicts (2 of 4 stars). 4 submissions from 4 submitters: Uncertain significance (4). Last evaluated 2025-10-25.

Conditions:
Joubert syndrome. Also called: JOUBERT-BOLTSHAUSER SYNDROME; Familial aplasia of the vermis. Identifiers: Orphanet 475, MedGen C5979921, MONDO:0018772.
Orofaciodigital syndrome I (OFD1). Also called: Papillon-Leage and Psaume Syndrome; Oral-Facial-Digital Syndrome Type I; OFDS I. Identifiers: Orphanet 2750, MedGen C1510460, MONDO:0010702, OMIM 311200.
Primary ciliary dyskinesia. Also called: Ciliary dyskinesia. Identifiers: Orphanet 244, MedGen C0008780, MONDO:0016575, HP:0012265.

Allele frequency attached by ClinVar (database versions not stated): ExAC 0.00001; gnomAD exomes 0.00001.
gnomAD v4.1: 6 of 1,123,746 alleles (0.00053%); highest among the groups gnomAD compares: South Asian, 0.0019%; no homozygotes.

Submissions (4):

Ambry Genetics
Classification: Uncertain significance for Primary ciliary dyskinesia. Last evaluated: 2025-10-25. Review status: criteria provided, single submitter. Criteria: Ambry Variant Classification Scheme 2023. Collection method: clinical testing. Allele origin: germline.
Comment: The p.V105I variant (also known as c.313G>A) is located in coding exon 4 of the OFD1 gene. The valine at codon 105 is replaced by isoleucine, an amino acid with highly similar properties. This change occurs in the first base pair of coding exon 4. This amino acid position is conserved. In addition, this alteration is predicted to be tolerated by in silico analysis. Based on the available evidence, the clinical significance of this variant remains unclear.

Labcorp Genetics (formerly Invitae), Labcorp
Classification: Uncertain significance for Orofaciodigital syndrome I; Joubert syndrome. Last evaluated: 2023-09-23. Review status: criteria provided, single submitter. Criteria: Invitae Variant Classification Sherloc (09022015). Collection method: clinical testing. Allele origin: germline.
Comment: In summary, the available evidence is currently insufficient to determine the role of this variant in disease. Therefore, it has been classified as a Variant of Uncertain Significance. Algorithms developed to predict the effect of missense changes on protein structure and function output the following: SIFT: "Not Available"; PolyPhen-2: "Benign"; Align-GVGD: "Not Available". The isoleucine amino acid residue is found in multiple mammalian species, which suggests that this missense change does not adversely affect protein function. ClinVar contains an entry for this variant (Variation ID: 1319149). This variant has not been reported in the literature in individuals affected with OFD1-related conditions. This variant is present in population databases (rs772018123, gnomAD 0.006%). This sequence change replaces valine, which is neutral and non-polar, with isoleucine, which is neutral and non-polar, at codon 105 of the OFD1 protein (p.Val105Ile).

Blueprint Genetics
Classification: Uncertain significance. Last evaluated: 2023-03-13. Review status: criteria provided, single submitter. Criteria: ACMG Guidelines, 2015. Collection method: clinical testing. Allele origin: germline.

Institute for Clinical Genetics, University Hospital TU Dresden, University Hospital TU Dresden
Classification: Uncertain significance. Last evaluated: 2021-11-03. Review status: criteria provided, single submitter. Criteria: ACMG Guidelines, 2015. Collection method: clinical testing. Allele origin: germline.